The following is an entry in ClinVar:

NM_199420.4(POLQ):c.2179G>C (p.Asp727His)

Gene: POLQ (DNA polymerase theta; minus strand). Cytogenetic location: 3q13.33.
Variant type: single nucleotide variant.
Coding change: c.2179G>C on transcript NM_199420.4 (MANE Select); coding-DNA position 2179, G replaced by C.
Protein change: p.Asp727His; replaces aspartic acid 727 with histidine.
Molecular consequence: missense variant.
Genome position (GRCh38, 1-based): chr3:121,496,907, C>G on the plus strand (G>C on the coding strand, the complement: POLQ is on the minus strand). VCF-style: chr3-121496907-C-G. GRCh37 (hg19) VCF-style: chr3-121215754-C-G.
Other names: short protein forms D727H.
Identifiers: ClinVar variation 1787226 (VCV001787226.2), dbSNP rs2546793729, ClinGen allele CA354109352.

ClinVar aggregate classification (germline): Uncertain significance (1 of 4 stars; one submission).

Submission:

Ambry Genetics
Classification: Uncertain significance. Last evaluated: 2021-12-12. Review status: criteria provided, single submitter. Criteria: Ambry Variant Classification Scheme 2023. Collection method: clinical testing. Allele origin: germline.
Comment: The p.D727H variant (also known as c.2179G>C), located in coding exon 14 of the POLQ gene, results from a G to C substitution at nucleotide position 2179. The aspartic acid at codon 727 is replaced by histidine, an amino acid with similar properties. This amino acid position is conserved. In addition, the in silico prediction for this alteration is inconclusive. Since supporting evidence is limited at this time, the clinical significance of this alteration remains unclear.